The following is an entry in ClinVar:

NM_002485.5(NBN):c.2215_2216del (p.Leu739fs)

Gene: NBN (nibrin; minus strand). Cytogenetic location: 8q21.3.
Variant type: Microsatellite.
Coding change: c.2215_2216del on transcript NM_002485.5 (MANE Select); coding-DNA positions 2215 to 2216, 2 bases deleted (CT; older notation c.2215_2216delCT).
Protein change: p.Leu739fs; shifts the reading frame from leucine 739.
Molecular consequence: frameshift variant.
Genome position (GRCh38, 1-based): chr8:89,937,044-89,937,045, AG deleted on the plus strand (CT on the coding strand, the reverse complement: NBN is on the minus strand); deleting any 2 consecutive bases within chr8:89,937,044-89,937,048 gives the same sequence; the c. name uses the placement nearest the transcript's 3' end. VCF-style (leftmost placement, unchanged base first): chr8-89937043-AAG-A. GRCh37 (hg19) VCF-style: chr8-90949271-AAG-A.
Other names: c.1969_1970del, p.Leu657fs (NM_001024688.3); short protein forms L657fs, L739fs.
Identifiers: ClinVar variation 1011716 (VCV001011716.4), dbSNP rs1809723362, ClinGen allele CA1801415409.

ClinVar aggregate classification (germline): Uncertain significance (1 of 4 stars; one submission).

Conditions:
Microcephaly, normal intelligence and immunodeficiency (NBS). Also called: SEEMANOVA SYNDROME II; IMMUNODEFICIENCY, MICROCEPHALY, AND CHROMOSOMAL INSTABILITY; Ataxia telangiectasia variant V1; BERLIN BREAKAGE SYNDROME; Nijmegen breakage syndrome; Microcephaly with normal intelligence immunodeficiency and lymphoreticular malignancies. Identifiers: Orphanet 647, MedGen C0398791, MONDO:0009623, OMIM 251260.

Submission:

Labcorp Genetics (formerly Invitae), Labcorp
Classification: Uncertain significance for Microcephaly, normal intelligence and immunodeficiency. Last evaluated: 2022-09-13. Review status: criteria provided, single submitter. Criteria: Invitae Variant Classification Sherloc (09022015). Collection method: clinical testing. Allele origin: germline.
Comment: This sequence change creates a premature translational stop signal (p.Leu739Cysfs*2) in the NBN gene. While this is not anticipated to result in nonsense mediated decay, it is expected to disrupt the last 16 amino acid(s) of the NBN protein. This variant is not present in population databases (gnomAD no frequency). This variant has not been reported in the literature in individuals affected with NBN-related conditions. Algorithms developed to predict the effect of variants on protein structure and function are not available or were not evaluated for this variant. Experimental studies have shown that this premature translational stop signal affects NBN function (PMID: 15758953). In summary, the available evidence is currently insufficient to determine the role of this variant in disease. Therefore, it has been classified as a Variant of Uncertain Significance.

Literature cited by the submitters: PubMed 15758953.